The following is an entry in ClinVar:

ClinVar aggregate classification (germline): Uncertain significance. Review status: criteria provided, multiple submitters, no conflicts (2 of 4 stars). 2 submissions from 2 submitters: Uncertain significance (2). Last evaluated 2024-08-10.

Conditions:
Retinoblastoma (RB1). Also called: RETINOBLASTOMA, SOMATIC. Identifiers: Orphanet 790, MedGen C0035335, MeSH D012175, MONDO:0008380, OMIM 180200, HP:0009919. Disease mechanism: loss of function. Inheritance: Both sporadic and heritable forms are tested..
Hereditary cancer-predisposing syndrome. Also called: Hereditary Cancer Syndrome; Neoplastic Syndromes, Hereditary; Tumor predisposition; Hereditary neoplastic syndrome. Identifiers: Orphanet 140162, MedGen C0027672, MeSH D009386, MONDO:0015356.

Submissions (2):

Ambry Genetics
Classification: Uncertain significance for Hereditary cancer-predisposing syndrome. Last evaluated: 2024-08-10. Review status: criteria provided, single submitter. Criteria: Ambry Variant Classification Scheme 2023. Collection method: clinical testing. Allele origin: germline.
Comment: The p.M761L variant (also known as c.2281A>T), located in coding exon 22 of the RB1 gene, results from an A to T substitution at nucleotide position 2281. The methionine at codon 761 is replaced by leucine, an amino acid with highly similar properties. This amino acid position is conserved. In addition, this alteration is predicted to be deleterious by in silico analysis. Based on the available evidence, the clinical significance of this variant remains unclear.

Labcorp Genetics (formerly Invitae), Labcorp
Classification: Uncertain significance for Retinoblastoma. Last evaluated: 2023-03-26. Review status: criteria provided, single submitter. Criteria: Invitae Variant Classification Sherloc (09022015). Collection method: clinical testing. Allele origin: germline.
Comment: This variant has not been reported in the literature in individuals affected with RB1-related conditions. This variant is not present in population databases (gnomAD no frequency). This sequence change replaces methionine, which is neutral and non-polar, with leucine, which is neutral and non-polar, at codon 761 of the RB1 protein (p.Met761Leu). ClinVar contains an entry for this variant (Variation ID: 2184956). Advanced modeling of protein sequence and biophysical properties (such as structural, functional, and spatial information, amino acid conservation, physicochemical variation, residue mobility, and thermodynamic stability) performed at Invitae indicates that this missense variant is not expected to disrupt RB1 protein function. In summary, the available evidence is currently insufficient to determine the role of this variant in disease. Therefore, it has been classified as a Variant of Uncertain Significance.

NM_000321.3(RB1):c.2281A>T (p.Met761Leu)

Gene: RB1 (RB transcriptional corepressor 1; plus strand). Cytogenetic location: 13q14.2.
Variant type: single nucleotide variant.
Coding change: c.2281A>T on transcript NM_000321.3 (MANE Select); coding-DNA position 2281, A replaced by T.
Protein change: p.Met761Leu; replaces methionine 761 with leucine.
Molecular consequence: missense variant.
Genome position (GRCh38, 1-based): chr13:48,465,067, A>T. VCF-style: chr13-48465067-A-T. GRCh37 (hg19) VCF-style: chr13-49039203-A-T.
Other names: c.2281A>T, p.Met761Leu (NM_001407165.1); short protein forms M761L.
Identifiers: ClinVar variation 2184956 (VCV002184956.5), dbSNP rs2138344874, ClinGen allele CA388167636.